The following is an entry in ClinVar:

ClinVar aggregate classification (germline): Uncertain significance. Review status: criteria provided, multiple submitters, no conflicts (2 of 4 stars). 3 submissions from 3 submitters: Uncertain significance (3). Last evaluated 2021-11-08.

Conditions:
Stüve-Wiedemann syndrome 1. Also called: STUVE-WIEDEMANN/SCHWARTZ-JAMPEL TYPE 2 SYNDROME. Identifiers: Orphanet 3206, MedGen C5676888, MONDO:0800043, OMIM 601559.

Allele frequency attached by ClinVar (database versions not stated): gnomAD 0.00001 and 0.00002; ExAC 0.00002; gnomAD exomes 0.00002; TOPMed 0.00002.
gnomAD v4.1: 25 of 1,613,954 alleles (0.0015%); highest among the groups gnomAD compares: Middle Eastern, 0.18%; no homozygotes.

Submissions (3):

Labcorp Genetics (formerly Invitae), Labcorp
Classification: Uncertain significance. Last evaluated: 2021-11-08. Review status: criteria provided, single submitter. Criteria: Invitae Variant Classification Sherloc (09022015). Collection method: clinical testing. Allele origin: germline.
Comment: This sequence change replaces glycine, which is neutral and non-polar, with glutamic acid, which is acidic and polar, at codon 1082 of the LIFR protein (p.Gly1082Glu). This variant is present in population databases (rs775530423, gnomAD 0.004%). This variant has not been reported in the literature in individuals affected with LIFR-related conditions. Algorithms developed to predict the effect of missense changes on protein structure and function (SIFT, PolyPhen-2, Align-GVGD) all suggest that this variant is likely to be tolerated. In summary, the available evidence is currently insufficient to determine the role of this variant in disease. Therefore, it has been classified as a Variant of Uncertain Significance.

Fulgent Genetics
Classification: Uncertain significance for Stüve-Wiedemann syndrome 1. Last evaluated: 2021-07-11. Review status: criteria provided, single submitter. Criteria: ACMG Guidelines, 2015. Collection method: clinical testing. Allele origin: unknown.

Breakthrough Genomics
Classification: Uncertain significance. Review status: criteria provided, single submitter. Criteria: ACMG Guidelines, 2015. Collection method: not provided. Allele origin: germline. Inheritance: Autosomal recessive inheritance. Affected: yes.

NM_001127671.2(LIFR):c.3245G>A (p.Gly1082Glu)

Gene: LIFR (LIF receptor subunit alpha; minus strand). Cytogenetic location: 5p13.1.
Variant type: single nucleotide variant.
Coding change: c.3245G>A on transcript NM_001127671.2 (MANE Select); coding-DNA position 3245, G replaced by A.
Protein change: p.Gly1082Glu; replaces glycine 1082 with glutamic acid.
Molecular consequence: missense variant.
Genome position (GRCh38, 1-based): chr5:38,481,644, C>T on the plus strand (G>A on the coding strand, the complement: LIFR is on the minus strand). VCF-style: chr5-38481644-C-T. GRCh37 (hg19) VCF-style: chr5-38481746-C-T.
Other names: c.3245G>A, p.Gly1082Glu (NM_001364297.2, NM_002310.6); c.3212G>A, p.Gly1071Glu (NM_001364298.2); short protein forms G1071E, G1082E.
Identifiers: ClinVar variation 1416697 (VCV001416697.5), dbSNP rs775530423, ClinGen allele CA3242483.